The following is an entry in ClinVar:

NM_001457.4(FLNB):c.5325_5326del (p.Glu1775fs)

Gene: FLNB (filamin B; plus strand). Cytogenetic location: 3p14.3.
Variant type: Microsatellite.
Coding change: c.5325_5326del on transcript NM_001457.4 (MANE Select); coding-DNA positions 5325 to 5326, 2 bases deleted (GA; older notation c.5325_5326delGA).
Protein change: p.Glu1775fs; shifts the reading frame from glutamic acid 1775.
Molecular consequence: frameshift variant.
Genome position (GRCh38, 1-based): chr3:58,143,513-58,143,514, GA deleted; deleting any 2 consecutive bases within chr3:58,143,511-58,143,514 gives the same sequence; the c. name uses the placement nearest the transcript's 3' end. VCF-style (leftmost placement, unchanged base first): chr3-58143510-TGA-T. GRCh37 (hg19) VCF-style: chr3-58129237-TGA-T.
Other names: c.5418_5419del, p.Glu1806fs (NM_001164317.2); c.5292_5293del, p.Glu1764fs (NM_001164318.2); c.5253_5254del, p.Glu1751fs (NM_001164319.2); short protein forms E1751fs, E1764fs, E1775fs, E1806fs.
Identifiers: ClinVar variation 2881541 (VCV002881541.3), dbSNP rs2471190127, ClinGen allele CA2666266862.

ClinVar aggregate classification (germline): Pathogenic (1 of 4 stars; one submission).

Submission:

Labcorp Genetics (formerly Invitae), Labcorp
Classification: Pathogenic. Last evaluated: 2025-07-16. Review status: criteria provided, single submitter. Criteria: Invitae Variant Classification Sherloc (09022015). Collection method: clinical testing. Allele origin: germline.
Comment: This sequence change creates a premature translational stop signal (p.Glu1775Aspfs*12) in the FLNB gene. It is expected to result in an absent or disrupted protein product. Loss-of-function variants in FLNB are known to be pathogenic (PMID: 14991055). This variant is not present in population databases (gnomAD no frequency). This variant has not been reported in the literature in individuals affected with FLNB-related conditions. For these reasons, this variant has been classified as Pathogenic.

Literature cited by the submitters: PubMed 14991055.